The following is an entry in ClinVar:

ClinVar aggregate classification (germline): Benign. Review status: criteria provided, multiple submitters, no conflicts (2 of 4 stars). 2 submissions from 2 submitters: Benign (2). Last evaluated 2018-06-20.

Allele frequency attached by ClinVar (database versions not stated): 1000 Genomes Project 30x 0.41896; 1000 Genomes Project 0.42452; TOPMed 0.47151; gnomAD 0.49108 and 0.49295.
gnomAD v4.1: 75,177 of 152,032 alleles (49%); highest among the groups gnomAD compares: Non-Finnish European, 62%; 20,585 homozygotes.

Submissions (2):

GeneDx
Classification: Benign. Last evaluated: 2018-06-20. Review status: criteria provided, single submitter. Criteria: GeneDx Variant Classification (06012015). Collection method: clinical testing. Allele origin: germline. Affected: yes.
Comment: This variant is considered likely benign or benign based on one or more of the following criteria: it is a conservative change, it occurs at a poorly conserved position in the protein, it is predicted to be benign by multiple in silico algorithms, and/or has population frequency not consistent with disease.

Breakthrough Genomics
Classification: Benign. Review status: criteria provided, single submitter. Criteria: ACMG Guidelines, 2015. Collection method: not provided. Allele origin: germline. Inheritance: Autosomal dominant inheritance. Affected: yes.

NM_001042492.3(NF1):c.7190-167T>A

Gene: NF1 (neurofibromin 1; plus strand). Cytogenetic location: 17q11.2.
Variant type: single nucleotide variant.
Coding change: c.7190-167T>A on transcript NM_001042492.3 (MANE Select); 167 bases into the intron before coding-DNA position 7190, T replaced by A.
Molecular consequence: intron variant.
Genome position (GRCh38, 1-based): chr17:31,348,953, T>A. VCF-style: chr17-31348953-T-A. GRCh37 (hg19) VCF-style: chr17-29675971-T-A.
Other names: c.7127-167T>A (NM_000267.4).
Identifiers: ClinVar variation 561475 (VCV000561475.2), dbSNP rs2525569, ClinGen allele CA289400671.
Genomic context (GRCh38, chr17:31,348,953, plus strand): 5'-CTAGGGAATATTATATTCTACACATTTTTGGTACTTAATCTTATACATAATTAATTATTC[T>A]CATTCACATATGCATGTTTTACCTTCCCAAATGGCTATTCTTGGAAAGTAGGAGTTATAT-3'